The following is an entry in ClinVar:

ClinVar aggregate classification (germline): Uncertain significance (1 of 4 stars; one submission).

Allele frequency attached by ClinVar (database versions not stated): TOPMed 0.00002; ExAC 0.00003; gnomAD exomes 0.00003; ESP Exome Variant Server 0.00008; gnomAD 0.00001.
gnomAD v4.1: 51 of 1,613,922 alleles (0.0032%); highest among the groups gnomAD compares: Non-Finnish European, 0.0043%; no homozygotes.

Submission:

Labcorp Genetics (formerly Invitae), Labcorp
Classification: Uncertain significance. Last evaluated: 2024-01-11. Review status: criteria provided, single submitter. Criteria: Invitae Variant Classification Sherloc (09022015). Collection method: clinical testing. Allele origin: germline.
Comment: This sequence change replaces isoleucine, which is neutral and non-polar, with threonine, which is neutral and polar, at codon 494 of the FBN3 protein (p.Ile494Thr). This variant is present in population databases (rs149283869, gnomAD 0.003%). This variant has not been reported in the literature in individuals affected with FBN3-related conditions. Advanced modeling of protein sequence and biophysical properties (such as structural, functional, and spatial information, amino acid conservation, physicochemical variation, residue mobility, and thermodynamic stability) performed at Invitae indicates that this missense variant is not expected to disrupt FBN3 protein function with a negative predictive value of 80%. In summary, the available evidence is currently insufficient to determine the role of this variant in disease. Therefore, it has been classified as a Variant of Uncertain Significance.

NM_032447.5(FBN3):c.1481T>C (p.Ile494Thr)

Gene: FBN3 (fibrillin 3; minus strand). Cytogenetic location: 19p13.2.
Variant type: single nucleotide variant.
Coding change: c.1481T>C on transcript NM_032447.5 (MANE Select); coding-DNA position 1481, T replaced by C.
Protein change: p.Ile494Thr; replaces isoleucine 494 with threonine.
Molecular consequence: missense variant.
Genome position (GRCh38, 1-based): chr19:8,136,071, A>G on the plus strand (T>C on the coding strand, the complement: FBN3 is on the minus strand). VCF-style: chr19-8136071-A-G. GRCh37 (hg19) VCF-style: chr19-8200955-A-G.
Other names: c.1481T>C, p.Ile494Thr (NM_001321431.2); short protein forms I494T.
Identifiers: ClinVar variation 2801792 (VCV002801792.3), dbSNP rs149283869, ClinGen allele CA9153288.
Genomic context (GRCh38, chr19:8,136,071, plus strand): 5'-CACTGGAAGCTGCCCTCTGTGTTGACACAGCGGCCCAGGTGACAAAGGCCACCACTGACA[A>G]TGCACTCGTCCACATCTGCGGGGAAGGCAGGCGGGCAGTCAAGAGGTGCTCCCCACCCTC-3'
Protein context (NP_115823.3, residues 484-504): RQACVDVDEC[Ile494Thr]VSGGLCHLGR